The following is an entry in ClinVar:

ClinVar aggregate classification (germline): Pathogenic (1 of 4 stars; one submission).

Submission:

Labcorp Genetics (formerly Invitae), Labcorp
Classification: Pathogenic. Last evaluated: 2018-12-10. Review status: criteria provided, single submitter. Criteria: Invitae Variant Classification Sherloc (09022015). Collection method: clinical testing. Allele origin: germline.
Comment: This variant is not present in population databases (ExAC no frequency). This sequence change creates a premature translational stop signal (p.Asn174Lysfs*20) in the GFM1 gene. It is expected to result in an absent or disrupted protein product. This variant has not been reported in the literature in individuals with GFM1-related conditions. For these reasons, this variant has been classified as Pathogenic. Loss-of-function variants in GFM1 are known to be pathogenic (PMID: 16632485, 17160893).

Literature cited by the submitters: PubMed 16632485; PubMed 17160893.

NM_024996.7(GFM1):c.521dup (p.Asn174fs)

Gene: GFM1 (G elongation factor mitochondrial 1; plus strand). Cytogenetic location: 3q25.32.
Variant type: Duplication.
Coding change: c.521dup on transcript NM_024996.7 (MANE Select); coding-DNA position 521, one base duplicated (A; older notation c.521dupA).
Protein change: p.Asn174fs; shifts the reading frame from asparagine 174.
Molecular consequence: frameshift variant. On other transcripts: non-coding transcript variant (3), intron variant (4).
Genome position (GRCh38, 1-based): chr3:158,646,896, A duplicated; the last of 2 consecutive A bases (chr3:158,646,895-158,646,896); duplicating either gives the same sequence. VCF-style (leftmost placement, unchanged base first): chr3-158646894-T-TA. GRCh37 (hg19) VCF-style: chr3-158364683-T-TA.
Other names: c.521dup, p.Asn174fs (NM_001308164.2, NM_001308166.2, NM_001374355.1 and 1 more transcripts); c.296dup, p.Asn99fs (NM_001374357.1); c.5+1115dup (NM_001374359.1, NM_001374360.1, NM_001374361.1); c.234+1115dup (NM_001374358.1); c.521dupA (NM_024996.5); short protein forms N174fs, N99fs.
Identifiers: ClinVar variation 662319 (VCV000662319.6), dbSNP rs1576723006, ClinGen allele CA915941615.